The following is an entry in ClinVar:

NM_000311.5(PRNP):c.443G>A (p.Arg148His)

Gene: PRNP (prion protein (Kanno blood group); plus strand). Cytogenetic location: 20p13.
Variant type: single nucleotide variant.
Coding change: c.443G>A on transcript NM_000311.5 (MANE Select); coding-DNA position 443, G replaced by A.
Protein change: p.Arg148His; replaces arginine 148 with histidine.
Molecular consequence: missense variant. On other transcripts: 3 prime UTR variant (1).
Genome position (GRCh38, 1-based): chr20:4,699,663, G>A. VCF-style: chr20-4699663-G-A. GRCh37 (hg19) VCF-style: chr20-4680309-G-A.
Other names: c.443G>A, p.Arg148His (NM_001080121.3, NM_001080122.3, NM_001080123.3 and 1 more transcripts); c.*132G>A (NM_001271561.3); short protein forms R148H.
Identifiers: ClinVar variation 1507942 (VCV001507942.8), dbSNP rs181348299, ClinGen allele CA9752075.

ClinVar aggregate classification (germline): Likely pathogenic. Review status: criteria provided, multiple submitters, no conflicts (2 of 4 stars). 3 submissions from 3 submitters: Likely pathogenic (3). Last evaluated 2023-08-30.

Conditions:
Inherited Creutzfeldt-Jakob disease. Also called: Genetic Creutzfeldt-Jakob Disease (Genetic CJD); Creutzfeldt-Jakob Disease, Familial. Identifiers: Orphanet 204, Orphanet 282166, Orphanet 454700, MedGen C0751254, MONDO:0007403, OMIM 123400.
Huntington disease-like 1 (HDL1). Also called: HUNTINGTON-LIKE NEURODEGENERATIVE DISORDER 1; HUNTINGTON-LIKE NEURODEGENERATIVE DISORDER, AUTOSOMAL DOMINANT; PRION DISEASE, EARLY-ONSET, WITH PROMINENT PSYCHIATRIC FEATURES. Identifiers: Orphanet 157941, MedGen C1864112, MONDO:0011299, OMIM 603218.
Kuru, susceptibility to. Identifiers: Orphanet 454745, MedGen C1855588, MONDO:0009500, OMIM 245300.
Gerstmann-Straussler-Scheinker syndrome (GSD). Also called: GERSTMANN-STRAUSSLER DISEASE; CEREBELLAR ATAXIA, PROGRESSIVE DEMENTIA, AND AMYLOID DEPOSITS IN CNS; PRION DEMENTIA; Spinocerebellar ataxia and plaque-like deposits; Gerstmann-Sträussler-Scheinker Syndrome (GSS); Spongiform encephalopathy. Identifiers: Orphanet 356, MedGen C0017495, MONDO:0007656, OMIM 137440.
Fatal familial insomnia (FFI). Also called: Fatal Familial Insomnia (FFI). Identifiers: Orphanet 466, MedGen C0206042, MONDO:0010808, OMIM 600072.
Spongiform encephalopathy with neuropsychiatric features. Identifiers: MedGen C1847650, MONDO:0011703, OMIM 606688.

Allele frequency attached by ClinVar (database versions not stated): gnomAD 0.00001 and 0.00002; ExAC 0.00002; TOPMed 0.00002; gnomAD exomes 0.00003; 1000 Genomes Project 0.00040; 1000 Genomes Project 30x 0.00047.
gnomAD v4.1: 43 of 1,614,102 alleles (0.0027%); highest among the groups gnomAD compares: Middle Eastern, 0.016%; no homozygotes.

Submissions (3):

Intergen Genetics and Rare Diseases Diagnosis Center
Classification: Likely pathogenic for Inherited Creutzfeldt-Jakob disease. Last evaluated: 2023-08-30. Review status: criteria provided, single submitter. Criteria: ACMG Guidelines, 2015. Collection method: clinical testing. Allele origin: unknown. Inheritance: Autosomal dominant inheritance. Observed: 1 heterozygote.

Labcorp Genetics (formerly Invitae), Labcorp
Classification: Likely pathogenic for Huntington disease-like 1. Last evaluated: 2022-09-15. Review status: criteria provided, single submitter. Criteria: Invitae Variant Classification Sherloc (09022015). Collection method: clinical testing. Allele origin: germline.
Comment: This sequence change replaces arginine, which is basic and polar, with histidine, which is basic and polar, at codon 148 of the PRNP protein (p.Arg148His). This variant is present in population databases (rs181348299, gnomAD 0.008%). This missense change has been observed in individuals with clinical features of genetic prion disease (PMID: 15776279, 16314483, 26488179, 26791950). ClinVar contains an entry for this variant (Variation ID: 1507942). Advanced modeling of protein sequence and biophysical properties (such as structural, functional, and spatial information, amino acid conservation, physicochemical variation, residue mobility, and thermodynamic stability) performed at Invitae indicates that this missense variant is not expected to disrupt PRNP protein function. In summary, the currently available evidence indicates that the variant is pathogenic, but additional data are needed to prove that conclusively. Therefore, this variant has been classified as Likely Pathogenic.

Juno Genomics, Hangzhou Juno Genomics, Inc
Classification: Likely pathogenic for Kuru, susceptibility to; Gerstmann-Straussler-Scheinker syndrome; Inherited Creutzfeldt-Jakob disease; Huntington disease-like 1; Fatal familial insomnia; Spongiform encephalopathy with neuropsychiatric features. Review status: criteria provided, single submitter. Criteria: ACMG Guidelines, 2015. Collection method: clinical testing. Allele origin: germline.
Comment: Absent from controls (or at extremely low frequency if recessive) in Genome Aggregation Database.;Multiple lines of computational evidence support a deleterious effect on the gene or gene product.;The prevalence of the variant in affected individuals is significantly increased compared to the prevalence in controls.;Patient's phenotype or family history is highly specific for a disease with a single genetic etiology.

Literature cited by the submitters: PubMed 15776279 (cited by Labcorp Genetics (formerly Invitae), Labcorp); PubMed 16314483 (cited by Labcorp Genetics (formerly Invitae), Labcorp); PubMed 26488179 (cited by Labcorp Genetics (formerly Invitae), Labcorp); PubMed 26791950 (cited by Labcorp Genetics (formerly Invitae), Labcorp).